The following is an entry in ClinVar:

NM_014336.5(AIPL1):c.1111_1122dup (p.Ala371_Pro374dup)

Gene: AIPL1 (AIP like 1 HSP90 co-chaperone; minus strand). Cytogenetic location: 17p13.2.
Variant type: Duplication.
Coding change: c.1111_1122dup on transcript NM_014336.5 (MANE Select); coding-DNA positions 1111 to 1122, 12 bases duplicated (GCCACAGAGCCA).
Protein change: p.Ala371_Pro374dup.
Molecular consequence: inframe insertion. On other transcripts: 3 prime UTR variant (1).
Genome position (GRCh38, 1-based): chr17:6,425,493-6,425,504, TGGCTCTGTGGC duplicated on the plus strand (GCCACAGAGCCA on the coding strand, the reverse complement: AIPL1 is on the minus strand); duplicating any 12 consecutive bases within chr17:6,425,493-6,425,512 gives the same sequence; the c. name uses the placement nearest the transcript's 3' end. VCF-style (leftmost placement, unchanged base first): chr17-6425492-G-GTGGCTCTGTGGC. GRCh37 (hg19) VCF-style: chr17-6328812-G-GTGGCTCTGTGGC.
Other names: c.922_933dup, p.Ala308_Pro311dup (NM_001033054.3); c.931_942dup, p.Ala311_Pro314dup (NM_001033055.3); c.1075_1086dup, p.Ala359_Pro362dup (NM_001285399.3); c.1045_1056dup, p.Ala349_Pro352dup (NM_001285400.3); c.1039_1050dup, p.Ala347_Pro350dup (NM_001285401.3); c.994_1005dup, p.Ala332_Pro335dup (NM_001285402.2); c.*1082_*1093dup (NM_001285403.4); c.1111_1122dup12 (NM_014336.4).
Identifiers: ClinVar variation 842899 (VCV000842899.9), dbSNP rs760000705, ClinGen allele CA8328307.

ClinVar aggregate classification (germline): Conflicting classifications of pathogenicity. Review status: criteria provided, conflicting classifications (1 of 4 stars). 3 submissions from 3 submitters: Uncertain significance (1); Likely benign (1). 1 of the submissions does not count toward it. Last evaluated 2026-01-26.

Conditions:
AIPL1-related disorder. Also called: AIPL1-related disorders; AIPL1-related condition. Identifiers: MedGen CN239169.
Leber congenital amaurosis 4 (LCA4). Identifiers: MedGen C1858386, MONDO:0011458, OMIM 604393.

Submissions (3):

Labcorp Genetics (formerly Invitae), Labcorp
Classification: Uncertain significance for Leber congenital amaurosis 4. Last evaluated: 2026-01-26. Review status: criteria provided, single submitter. Criteria: Invitae Variant Classification Sherloc (09022015). Collection method: clinical testing. Allele origin: germline.
Comment: This variant, c.1111_1122dup, results in the insertion of 4 amino acid(s) of the AIPL1 protein (p.Ala371_Pro374dup), but otherwise preserves the integrity of the reading frame. This variant is present in population databases (rs760000705, gnomAD 0.2%). This variant has been observed in individual(s) with Leber congenital amaurosis (PMID: 16205573). ClinVar contains an entry for this variant (Variation ID: 842899). Algorithms developed to predict the effect of variants on gene product structure and function are not available or were not evaluated for this variant. Experimental studies have shown that this variant does not substantially affect AIPL1 function (PMID: 33067476). In summary, the available evidence is currently insufficient to determine the role of this variant in disease. Therefore, it has been classified as a Variant of Uncertain Significance.

Blueprint Genetics
Classification: Likely benign. Last evaluated: 2023-10-02. Review status: criteria provided, single submitter. Criteria: ACMG Guidelines, 2015. Collection method: clinical testing. Allele origin: germline.

PreventionGenetics, part of Exact Sciences
Classification: Uncertain significance for AIPL1-related condition. Last evaluated: 2024-08-20. Review status: no assertion criteria provided. Collection method: clinical testing. Allele origin: germline. Not counted in ClinVar's aggregate classification.
Comment: The AIPL1 c.1111_1122dup12 variant is predicted to result in an in-frame duplication (p.Ala371_Pro374dup). This variant has been reported in the heterozygous state without a second AIPL1 variant in an individual with Leber congenital amaurosis (Galvin et al. 2005. PubMed ID: 16205573). A functional study using protein expression in cell culture found that the p.Ala371_Pro374 duplication did not affect protein localization or function (Sacristan-Reviriego et al. 2020. PubMed ID: 33067476). This variant is reported in 0.17% of alleles in individuals of African descent in gnomAD. Although we suspect that this variant may be benign, at this time, the clinical significance of this variant is uncertain due to the absence of conclusive functional and genetic evidence.

Literature cited by the submitters: PubMed 16205573 (cited by Labcorp Genetics (formerly Invitae), Labcorp); PubMed 33067476 (cited by Labcorp Genetics (formerly Invitae), Labcorp).